The following is an entry in ClinVar:

ClinVar aggregate classification (germline): Uncertain significance. Review status: criteria provided, multiple submitters, no conflicts (2 of 4 stars). 3 submissions from 3 submitters: Uncertain significance (3). Last evaluated 2025-02-14.

Conditions:
Hereditary cancer-predisposing syndrome. Also called: Hereditary Cancer Syndrome; Tumor predisposition; Hereditary neoplastic syndrome; Neoplastic Syndromes, Hereditary. Identifiers: Orphanet 140162, MedGen C0027672, MeSH D009386, MONDO:0015356.
Hereditary nonpolyposis colorectal neoplasms. Identifiers: MedGen C0009405, MeSH D003123.
Endometrial carcinoma. Also called: Endometrial carcinoma, somatic. Identifiers: MedGen C0476089, MONDO:0002447, OMIM 608089, HP:0012114.

Allele frequency attached by ClinVar (database versions not stated): gnomAD exomes below 0.00001; TOPMed below 0.00001.

Submissions (3):

Labcorp Genetics (formerly Invitae), Labcorp
Classification: Uncertain significance for Hereditary nonpolyposis colorectal neoplasms. Last evaluated: 2025-02-14. Review status: criteria provided, single submitter. Criteria: Invitae Variant Classification Sherloc (09022015). Collection method: clinical testing. Allele origin: germline.
Comment: This sequence change replaces methionine, which is neutral and non-polar, with threonine, which is neutral and polar, at codon 1144 of the MSH6 protein (p.Met1144Thr). This variant is not present in population databases (gnomAD no frequency). This variant has not been reported in the literature in individuals affected with MSH6-related conditions. ClinVar contains an entry for this variant (Variation ID: 2078504). Invitae Evidence Modeling of protein sequence and biophysical properties (such as structural, functional, and spatial information, amino acid conservation, physicochemical variation, residue mobility, and thermodynamic stability) has been performed for this missense variant. However, the output from this modeling did not meet the statistical confidence thresholds required to predict the impact of this variant on MSH6 protein function. In summary, the available evidence is currently insufficient to determine the role of this variant in disease. Therefore, it has been classified as a Variant of Uncertain Significance.

Ambry Genetics
Classification: Uncertain significance for Hereditary cancer-predisposing syndrome. Last evaluated: 2024-04-26. Review status: criteria provided, single submitter. Criteria: Ambry Variant Classification Scheme 2023. Collection method: clinical testing. Allele origin: germline.
Comment: The p.M1144T variant (also known as c.3431T>C), located in coding exon 5 of the MSH6 gene, results from a T to C substitution at nucleotide position 3431. The methionine at codon 1144 is replaced by threonine, an amino acid with similar properties. This amino acid position is highly conserved in available vertebrate species. In addition, this alteration is predicted to be deleterious by in silico analysis. Based on the available evidence, the clinical significance of this variant remains unclear.

Baylor Genetics
Classification: Uncertain significance for Endometrial carcinoma. Last evaluated: 2023-11-22. Review status: criteria provided, single submitter. Criteria: ACMG Guidelines, 2015. Collection method: clinical testing. Allele origin: unknown.

NM_000179.3(MSH6):c.3431T>C (p.Met1144Thr)

Gene: MSH6 (mutS homolog 6; plus strand). Cytogenetic location: 2p16.3.
Variant type: single nucleotide variant.
Coding change: c.3431T>C on transcript NM_000179.3 (MANE Select); coding-DNA position 3431, T replaced by C.
Protein change: p.Met1144Thr; replaces methionine 1144 with threonine.
Molecular consequence: missense variant.
Genome position (GRCh38, 1-based): chr2:47,803,678, T>C. VCF-style: chr2-47803678-T-C. GRCh37 (hg19) VCF-style: chr2-48030817-T-C.
Other names: c.3041T>C, p.Met1014Thr (NM_001281492.2); c.2525T>C, p.Met842Thr (NM_001281493.2, NM_001281494.2, NM_001406811.1 and 6 more transcripts); c.3527T>C, p.Met1176Thr (NM_001406795.1, NM_001406802.1); c.3431T>C, p.Met1144Thr (NM_001406796.1, NM_001406800.1, NM_001406808.1 and 1 more transcripts); c.3134T>C, p.Met1045Thr (NM_001406797.1, NM_001406801.1, NM_001406805.1 and 10 more transcripts); c.3257T>C, p.Met1086Thr (NM_001406798.1); c.2906T>C, p.Met969Thr (NM_001406799.1, NM_001406806.1, NM_001406807.1); c.2567T>C, p.Met856Thr (NM_001406803.1); and 7 more; short protein forms M1045T, M1144T, M1176T, M459T, M622T, M856T, M969T, M1014T.
Identifiers: ClinVar variation 2078504 (VCV002078504.6), dbSNP rs864622607, ClinGen allele CA346758956.